The following is an entry in ClinVar:

NM_006904.7(PRKDC):c.7784G>C (p.Trp2595Ser)

Gene: PRKDC (protein kinase, DNA-activated, catalytic subunit; minus strand). Cytogenetic location: 8q11.21.
Variant type: single nucleotide variant.
Coding change: c.7784G>C on transcript NM_006904.7 (MANE Select); coding-DNA position 7784, G replaced by C.
Protein change: p.Trp2595Ser; replaces tryptophan 2595 with serine.
Molecular consequence: missense variant.
Genome position (GRCh38, 1-based): chr8:47,836,505, C>G on the plus strand (G>C on the coding strand, the complement: PRKDC is on the minus strand). VCF-style: chr8-47836505-C-G. GRCh37 (hg19) VCF-style: chr8-48749066-C-G.
Other names: c.7784G>C, p.Trp2595Ser (NM_001081640.2); short protein forms W2595S.
Identifiers: ClinVar variation 1760613 (VCV001760613.2), dbSNP rs2551867359, ClinGen allele CA371151398.
Genomic context (GRCh38, chr8:47,836,505, plus strand): 5'-GTGCCCTGGGAGGCCTGGGTCTCCACAAACATCGGAGTGAGAACAGTACTTCGGAAACGC[C>G]AATCAGAATCAATGGTATATTCCTGTACATAAGAAAGTTTCAAATGAAATAAAGTTTCAA-3'
Protein context (NP_008835.5, residues 2585-2605): EFQEYTIDSD[Trp2595Ser]RFRSTVLTPM

ClinVar aggregate classification (germline): Uncertain significance (1 of 4 stars; one submission).

Submission:

Ambry Genetics
Classification: Uncertain significance. Last evaluated: 2022-03-07. Review status: criteria provided, single submitter. Criteria: Ambry Variant Classification Scheme 2023. Collection method: clinical testing. Allele origin: germline.
Comment: The p.W2595S variant (also known as c.7784G>C), located in coding exon 58 of the PRKDC gene, results from a G to C substitution at nucleotide position 7784. The tryptophan at codon 2595 is replaced by serine, an amino acid with highly dissimilar properties. This amino acid position is conserved. In addition, this alteration is predicted to be deleterious by in silico analysis. Since supporting evidence is limited at this time, the clinical significance of this alteration remains unclear.